The following is an entry in ClinVar:

NM_014334.4(FRRS1L):c.-78G>C

Gene: FRRS1L (ferric chelate reductase 1 like; minus strand). Cytogenetic location: 9q31.3.
Variant type: single nucleotide variant.
Coding change: c.-78G>C on transcript NM_014334.4 (MANE Select); 78 bases upstream of the start codon, G replaced by C.
Molecular consequence: 5 prime UTR variant.
Genome position (GRCh38, 1-based): chr9:109,167,216, C>G on the plus strand (G>C on the coding strand, the complement: FRRS1L is on the minus strand). VCF-style: chr9-109167216-C-G. GRCh37 (hg19) VCF-style: chr9-111929496-C-G.
Identifiers: ClinVar variation 1938753 (VCV001938753.3), dbSNP rs1310777849, ClinGen allele CA374430989.
Genomic context (GRCh38, chr9:109,167,216, plus strand): 5'-GCAGCCAGGCCGCTCGGGCCGCAGCGGGGGCGCCGCGGGCGCGGGCCGGGACTGAGCCTC[C>G]GCCGAGGCCACCAGCACGCGCCCGCGCAGCCGCGGAGCCTCCCGCACCCCCGCCTCCCTG-3'

ClinVar aggregate classification (germline): Uncertain significance (1 of 4 stars; one submission).

Conditions:
Developmental and epileptic encephalopathy, 37 (DEE37). Also called: Epileptic encephalopathy, early infantile, 37. Identifiers: MedGen C4310770, MONDO:0014859, OMIM 616981.

gnomAD v4.1: 7 of 1,332,892 alleles (0.00053%); highest among the groups gnomAD compares: Non-Finnish European, 0.00067%; no homozygotes.

Submission:

Labcorp Genetics (formerly Invitae), Labcorp
Classification: Uncertain significance for Developmental and epileptic encephalopathy, 37. Last evaluated: 2025-03-16. Review status: criteria provided, single submitter. Criteria: Invitae Variant Classification Sherloc (09022015). Collection method: clinical testing. Allele origin: germline.
Comment: This sequence change replaces glycine, which is neutral and non-polar, with arginine, which is basic and polar, at codon 26 of the FRRS1L protein (p.Gly26Arg). This variant is not present in population databases (gnomAD no frequency). This variant has not been reported in the literature in individuals affected with FRRS1L-related conditions. ClinVar contains an entry for this variant (Variation ID: 1938753). Experimental studies and prediction algorithms are not available or were not evaluated, and the functional significance of this variant is currently unknown. In summary, the available evidence is currently insufficient to determine the role of this variant in disease. Therefore, it has been classified as a Variant of Uncertain Significance.